The following is an entry in ClinVar:

NM_001164508.2(NEB):c.3432_3433del (p.Phe1144fs)

Gene: NEB (nebulin; minus strand). Cytogenetic location: 2q23.3.
Variant type: Deletion.
Coding change: c.3432_3433del on transcript NM_001164508.2 (MANE Select); coding-DNA positions 3432 to 3433, 2 bases deleted (CA; older notation c.3432_3433delCA).
Protein change: p.Phe1144fs; shifts the reading frame from phenylalanine 1144.
Molecular consequence: frameshift variant.
Genome position (GRCh38, 1-based): chr2:151,678,010-151,678,011, TG deleted on the plus strand (CA on the coding strand, the reverse complement: NEB is on the minus strand). VCF-style (leftmost placement, unchanged base first): chr2-151678009-TTG-T. GRCh37 (hg19) VCF-style: chr2-152534523-TTG-T.
Other names: c.3432_3433del, p.Phe1144fs (NM_001164507.2, NM_001271208.2, NM_004543.5); short protein forms F1144fs.
Identifiers: ClinVar variation 1726911 (VCV001726911.2), dbSNP rs2552262690, ClinGen allele CA2580064143.

ClinVar aggregate classification (germline): Likely pathogenic (1 of 4 stars; one submission).

Conditions:
Nemaline myopathy 2 (NEM2). Also called: Nemaline myopathy 2, autosomal recessive. Identifiers: MedGen C1850569, MONDO:0009725, OMIM 256030.

Submission:

Myriad Genetics, Inc.
Classification: Likely pathogenic for Nemaline myopathy 2. Last evaluated: 2022-01-02. Review status: criteria provided, single submitter. Criteria: Myriad Women's Health Autosomal Recessive and X-Linked Classification Criteria (2021). Collection method: clinical testing. Allele origin: unknown.
Comment: NM_001271208.1(NEB):c.3432_3433delCA(F1144Lfs*6) is expected to be pathogenic in the context of NEB-related nemaline myopathy. This variant is predicted to lead to an abnormal or absent protein product due to the creation of a premature termination codon in NEB, a gene where loss-of-function variants are known to be pathogenic. Please note: this variant was assessed in the context of healthy population screening.